The following is an entry in ClinVar:

ClinVar aggregate classification (germline): Benign/Likely benign. Review status: criteria provided, multiple submitters, no conflicts (2 of 4 stars). 3 submissions from 3 submitters: Benign (1); Likely benign (1). 1 of the submissions does not count toward it. Last evaluated 2026-04-01.

Conditions:
CNKSR2-related disorder. Also called: CNKSR2-related condition.

Allele frequency attached by ClinVar (database versions not stated): gnomAD exomes 0.00015 and 0.00036; ExAC 0.00048; 1000 Genomes Project 30x 0.00062; 1000 Genomes Project 0.00079; ESP Exome Variant Server 0.00085; gnomAD 0.00104 and 0.00108; TOPMed 0.00109.
gnomAD v4.1: 283 of 1,208,037 alleles (0.023%); highest among the groups gnomAD compares: African/African-American, 0.33%; no homozygotes.

Submissions (3):

CeGaT Center for Human Genetics Tuebingen
Classification: Likely benign. Last evaluated: 2026-04-01. Review status: criteria provided, single submitter. Criteria: CeGaT Center For Human Genetics Tuebingen Variant Classification Criteria Version 2. Collection method: clinical testing. Allele origin: germline. Affected: yes. Observed: 2 variant alleles.
Comment: CNKSR2: BP4, BP7, BS2

Labcorp Genetics (formerly Invitae), Labcorp
Classification: Benign. Last evaluated: 2018-06-19. Review status: criteria provided, single submitter. Criteria: Invitae Variant Classification Sherloc (09022015). Collection method: clinical testing. Allele origin: germline.

PreventionGenetics, part of Exact Sciences
Classification: Likely benign for CNKSR2-related condition. Last evaluated: 2023-02-22. Review status: no assertion criteria provided. Collection method: clinical testing. Allele origin: germline. Not counted in ClinVar's aggregate classification.
Comment: This variant is classified as likely benign based on ACMG/AMP sequence variant interpretation guidelines (Richards et al. 2015 PMID: 25741868, with internal and published modifications).

NM_014927.5(CNKSR2):c.2610C>T (p.Asp870=)

Gene: CNKSR2 (connector enhancer of kinase suppressor of Ras 2; plus strand). Cytogenetic location: Xp22.12.
Variant type: single nucleotide variant.
Coding change: c.2610C>T on transcript NM_014927.5 (MANE Select); coding-DNA position 2610, C replaced by T.
Protein change: p.Asp870=; no amino-acid change (aspartic acid 870 retained).
Molecular consequence: synonymous variant.
Genome position (GRCh38, 1-based): chrX:21,609,535, C>T. VCF-style: chrX-21609535-C-T. GRCh37 (hg19) VCF-style: chrX-21627653-C-T.
Other names: c.2520C>T, p.Asp840= (NM_001168647.3, NM_001330773.2); c.2610C>T, p.Asp870= (NM_001168648.3); c.2463C>T, p.Asp821= (NM_001168649.3, NM_001330770.2); c.2373C>T, p.Asp791= (NM_001330771.2, NM_001330772.2).
Identifiers: ClinVar variation 725058 (VCV000725058.19), dbSNP rs139219013, ClinGen allele CA10366788.